The following is an entry in ClinVar:

NM_139242.4(MTFMT):c.1094G>A (p.Cys365Tyr)

Gene: MTFMT (mitochondrial methionyl-tRNA formyltransferase; minus strand). Cytogenetic location: 15q22.31.
Variant type: single nucleotide variant.
Coding change: c.1094G>A on transcript NM_139242.4 (MANE Select); coding-DNA position 1094, G replaced by A.
Protein change: p.Cys365Tyr; replaces cysteine 365 with tyrosine.
Molecular consequence: missense variant.
Genome position (GRCh38, 1-based): chr15:65,003,138, C>T on the plus strand (G>A on the coding strand, the complement: MTFMT is on the minus strand). VCF-style: chr15-65003138-C-T. GRCh37 (hg19) VCF-style: chr15-65295476-C-T.
Other names: short protein forms C365Y.
Identifiers: ClinVar variation 813585 (VCV000813585.13), dbSNP rs190189891, ClinGen allele CA7613148.

ClinVar aggregate classification (germline): Conflicting classifications of pathogenicity. Review status: criteria provided, conflicting classifications (1 of 4 stars). 3 submissions from 3 submitters: Uncertain significance (1); Likely benign (1). 1 of the submissions does not count toward it. Last evaluated 2025-03-30.

Conditions:
Microcephaly. Also called: Microcephaly (disease). Identifiers: MedGen C4551563, MONDO:0001149, HP:0000252.

Allele frequency attached by ClinVar (database versions not stated): gnomAD exomes 0.00013 and 0.00048; ExAC 0.00056; 1000 Genomes Project 0.00140; 1000 Genomes Project 30x 0.00203; gnomAD 0.00009 and 0.00017; TOPMed 0.00020.

Submissions (3):

GeneDx
Classification: Uncertain significance. Last evaluated: 2025-03-30. Review status: criteria provided, single submitter. Criteria: GeneDx Variant Classification Process June 2021. Collection method: clinical testing. Allele origin: germline. Affected: yes.
Comment: Identified in an individual with multiple congenital anomalies who was also heterozygous for another variant in MTFMT; the phase of this variants was not reported (PMID: 31501239); In silico analysis supports that this missense variant has a deleterious effect on protein structure/function; This variant is associated with the following publications: (PMID: 31893529, 31501239)

Labcorp Genetics (formerly Invitae), Labcorp
Classification: Likely benign. Last evaluated: 2024-10-29. Review status: criteria provided, single submitter. Criteria: Invitae Variant Classification Sherloc (09022015). Collection method: clinical testing. Allele origin: germline.

Department of Pediatrics, Samsung Medical Center, Samsung Medical Center
Classification: Uncertain significance for Microcephaly. Review status: no assertion criteria provided. Criteria: ACMG Guidelines, 2015. Collection method: research. Allele origin: germline. Affected: yes. Not counted in ClinVar's aggregate classification.